The following is an entry in ClinVar:

NM_001267550.2(TTN):c.39616C>G (p.Pro13206Ala)

Gene: TTN (titin; minus strand). Cytogenetic location: 2q31.2.
Variant type: single nucleotide variant.
Coding change: c.39616C>G on transcript NM_001267550.2 (MANE Select); coding-DNA position 39616, C replaced by G.
Protein change: p.Pro13206Ala; replaces proline 13206 with alanine.
Molecular consequence: missense variant. On other transcripts: intron variant (3).
Genome position (GRCh38, 1-based): chr2:178,651,252, G>C on the plus strand (C>G on the coding strand, the complement: TTN is on the minus strand). VCF-style: chr2-178651252-G-C. GRCh37 (hg19) VCF-style: chr2-179515979-G-C.
Other names: p.P11699A:CCA>GCA; c.35095C>G, p.Pro11699Ala (NM_001256850.1); c.32314C>G, p.Pro10772Ala (NM_133378.4); c.13283-8935C>G (NM_003319.4); c.13859-8935C>G (NM_133437.4); c.13658-8935C>G (NM_133432.3); short protein forms P11699A, P13206A, P10772A.
Identifiers: ClinVar variation 202604 (VCV000202604.2), dbSNP rs186404793, ClinGen allele CA309724.

ClinVar aggregate classification (germline): Uncertain significance (1 of 4 stars; one submission).

Submission:

GeneDx
Classification: Uncertain significance. Last evaluated: 2014-03-18. Review status: criteria provided, single submitter. Criteria: GeneDx Variant Classification (06012015). Collection method: clinical testing. Allele origin: germline. Affected: yes.
Comment: Missense variants in the TTN gene are considered 'unclassified' if they are not previously reported in the literature and do not have >1% frequency in the population to be considered a polymorphism. Research indicates that truncating mutations in the TTN gene are expected to account for approximately 25% of familial and 18% of sporadic idiopathic DCM; however, truncating variants in the TTN gene have been reported in approximately 3% of reported control alleles. There has been little investigation into non-truncating variants. (Herman D et al. Truncations of titin causing dilated cardiomyopathy. N Eng J Med 366:619-628, 2012) The variant is found in DCM,CARDIOMYOPATHY panel(s).